The following is an entry in ClinVar:

ClinVar aggregate classification (germline): Uncertain significance (1 of 4 stars; one submission).

Conditions:
Osteogenesis imperfecta type 8 (OI8). Identifiers: MedGen C1970458, MONDO:0012581, OMIM 610915.

Allele frequency attached by ClinVar (database versions not stated): gnomAD exomes below 0.00001; TOPMed below 0.00001; gnomAD 0.00001.
gnomAD v4.1: 3 of 1,614,202 alleles (0.00019%); highest among the groups gnomAD compares: Non-Finnish European, 0.00025%; no homozygotes.

Submission:

Labcorp Genetics (formerly Invitae), Labcorp
Classification: Uncertain significance for Osteogenesis imperfecta type 8. Last evaluated: 2019-07-22. Review status: criteria provided, single submitter. Criteria: Invitae Variant Classification Sherloc (09022015). Collection method: clinical testing. Allele origin: germline.
Comment: In summary, the available evidence is currently insufficient to determine the role of this variant in disease. Therefore, it has been classified as a Variant of Uncertain Significance. Algorithms developed to predict the effect of missense changes on protein structure and function (SIFT, PolyPhen-2, Align-GVGD) all suggest that this variant is likely to be disruptive, but these predictions have not been confirmed by published functional studies and their clinical significance is uncertain. This variant has not been reported in the literature in individuals with P3H1-related conditions. This variant is not present in population databases (ExAC no frequency). This sequence change replaces tyrosine with histidine at codon 312 of the P3H1 protein (p.Tyr312His). The tyrosine residue is highly conserved and there is a moderate physicochemical difference between tyrosine and histidine.

NM_022356.4(P3H1):c.934T>C (p.Tyr312His)

Gene: P3H1 (prolyl 3-hydroxylase 1; minus strand). Cytogenetic location: 1p34.2.
Variant type: single nucleotide variant.
Coding change: c.934T>C on transcript NM_022356.4 (MANE Select); coding-DNA position 934, T replaced by C.
Protein change: p.Tyr312His; replaces tyrosine 312 with histidine.
Molecular consequence: missense variant.
Genome position (GRCh38, 1-based): chr1:42,758,858, A>G on the plus strand (T>C on the coding strand, the complement: P3H1 is on the minus strand). VCF-style: chr1-42758858-A-G. GRCh37 (hg19) VCF-style: chr1-43224529-A-G.
Other names: c.934T>C, p.Tyr312His (NM_001146289.2, NM_001243246.2); short protein forms Y312H.
Identifiers: ClinVar variation 962898 (VCV000962898.7), dbSNP rs1180298586, ClinGen allele CA339959332.
Genomic context (GRCh38, chr1:42,758,858, plus strand): 5'-GCCTTTAGCTTCTTAGTTAGCCAGCAGAGAAAGAGGAAGGAAAGTAGGCCTTACTGTTAT[A>G]GTAGGCAAACTGCAGATAATTATAATGCGATGGGAGGAAGTCTTCAAAGGGCTTCTCTCG-3'
Protein context (NP_071751.3, residues 302-322): SHYNYLQFAY[Tyr312His]NIGNYTQAVE